The following is an entry in ClinVar:

NC_000019.10:g.(?_55154020)_(55156654_?)del

Gene: TNNI3 (troponin I3, cardiac type; minus strand). Cytogenetic location: 19q13.42.
Variant type: Deletion.
Identifiers: ClinVar variation 831684 (VCV000831684.7).

ClinVar aggregate classification (germline): Uncertain significance (1 of 4 stars; one submission).

Conditions:
Hypertrophic cardiomyopathy. Also called: HYPERTROPHIC MYOCARDIOPATHY. Identifiers: Orphanet 217569, MedGen C0007194, MeSH D002312, MONDO:0005045, HP:0001639.

Submission:

Labcorp Genetics (formerly Invitae), Labcorp
Classification: Uncertain significance for Hypertrophic cardiomyopathy. Last evaluated: 2020-12-15. Review status: criteria provided, single submitter. Criteria: Invitae Variant Classification Sherloc (09022015). Collection method: clinical testing. Allele origin: germline.
Comment: In summary, the available evidence is currently insufficient to determine the role of this variant in disease. Therefore, it has been classified as a Variant of Uncertain Significance. Experimental studies and prediction algorithms are not available for this variant, and the functional significance of the affected amino acid(s) is currently unknown. This variant has not been reported in the literature in individuals with TNNI3-related conditions. This variant is an in-frame deletion of the genomic region encompassing exons 4-7 of the TNNI3 gene. It preserves the integrity of the reading frame.